The following is an entry in ClinVar:

NM_001199138.2(NLRC4):c.2765_2766del (p.Thr922fs)

Gene: NLRC4 (NLR family CARD domain containing 4; minus strand). Cytogenetic location: 2p22.3.
Variant type: Deletion.
Coding change: c.2765_2766del on transcript NM_001199138.2 (MANE Select); coding-DNA positions 2765 to 2766, 2 bases deleted (CA; older notation c.2765_2766delCA).
Protein change: p.Thr922fs; shifts the reading frame from threonine 922.
Molecular consequence: frameshift variant.
Genome position (GRCh38, 1-based): chr2:32,235,417-32,235,418, TG deleted on the plus strand (CA on the coding strand, the reverse complement: NLRC4 is on the minus strand); deleting any 2 consecutive bases within chr2:32,235,417-32,235,419 gives the same sequence; the c. name uses the placement nearest the transcript's 3' end. VCF-style (leftmost placement, unchanged base first): chr2-32235416-CTG-C. GRCh37 (hg19) VCF-style: chr2-32460485-CTG-C.
Other names: c.2764_2765delAC, p.Thr922Argfs (NM_001199139.2, NM_021209.5); c.769_770delAC, p.Thr257Argfs (NM_001302504.2); short protein forms T257fs, T922fs.
Identifiers: ClinVar variation 2938805 (VCV002938805.3), dbSNP rs1686649033, ClinGen allele CA1242552007.

ClinVar aggregate classification (germline): Uncertain significance (1 of 4 stars; one submission).

Conditions:
Periodic fever-infantile enterocolitis-autoinflammatory syndrome. Also called: Autoinflammation with infantile enterocolitis. Identifiers: Orphanet 436166, MedGen C4015067, MONDO:0014472, OMIM 616050.
Familial cold autoinflammatory syndrome 4 (FCAS4). Identifiers: Orphanet 47045, Orphanet 576349, MedGen C4015276, MONDO:0014498, OMIM 616115.

Submission:

Labcorp Genetics (formerly Invitae), Labcorp
Classification: Uncertain significance for Periodic fever-infantile enterocolitis-autoinflammatory syndrome; Familial cold autoinflammatory syndrome 4. Last evaluated: 2024-08-29. Review status: criteria provided, single submitter. Criteria: Invitae Variant Classification Sherloc (09022015). Collection method: clinical testing. Allele origin: germline.
Comment: This sequence change creates a premature translational stop signal (p.Thr922Argfs*3) in the NLRC4 gene. While this is not anticipated to result in nonsense mediated decay, it is expected to disrupt the last 103 amino acid(s) of the NLRC4 protein. This variant is not present in population databases (gnomAD no frequency). This variant has not been reported in the literature in individuals affected with NLRC4-related conditions. Experimental studies and prediction algorithms are not available or were not evaluated, and the functional significance of this variant is currently unknown. In summary, the available evidence is currently insufficient to determine the role of this variant in disease. Therefore, it has been classified as a Variant of Uncertain Significance.